The following is an entry in ClinVar:

NM_000222.3(KIT):c.1369G>A (p.Val457Met)

Gene: KIT (KIT proto-oncogene, receptor tyrosine kinase; plus strand). Cytogenetic location: 4q12.
Variant type: single nucleotide variant.
Coding change: c.1369G>A on transcript NM_000222.3 (MANE Select); coding-DNA position 1369, G replaced by A.
Protein change: p.Val457Met; replaces valine 457 with methionine.
Molecular consequence: missense variant.
Genome position (GRCh38, 1-based): chr4:54,725,879, G>A. VCF-style: chr4-54725879-G-A. GRCh37 (hg19) VCF-style: chr4-55592045-G-A.
Other names: c.1369G>A, p.Val457Met (NM_001093772.2, NM_001385285.1, NM_001385286.1); c.1372G>A, p.Val458Met (NM_001385284.1, NM_001385288.1, NM_001385290.1 and 1 more transcripts); short protein forms V457M, V458M.
Identifiers: ClinVar variation 2875737 (VCV002875737.4), dbSNP rs1722184814, ClinGen allele CA356906250.

ClinVar aggregate classification (germline): Conflicting classifications of pathogenicity. Review status: criteria provided, conflicting classifications (1 of 4 stars). 2 submissions from 2 submitters: Uncertain significance (1); Likely benign (1). Last evaluated 2024-05-23.

Conditions:
Gastrointestinal stromal tumor. Also called: Gastrointestinal stromal tumor, somatic; Gastrointestinal stroma tumor. Identifiers: Orphanet 44890, MedGen C0238198, MeSH D046152, MONDO:0011719, OMIM 606764, HP:0100723.
Hereditary cancer-predisposing syndrome. Also called: Neoplastic Syndromes, Hereditary; Tumor predisposition; Hereditary neoplastic syndrome; Hereditary Cancer Syndrome. Identifiers: Orphanet 140162, MedGen C0027672, MeSH D009386, MONDO:0015356.

Submissions (2):

Ambry Genetics
Classification: Likely benign for Hereditary cancer-predisposing syndrome. Last evaluated: 2024-05-23. Review status: criteria provided, single submitter. Criteria: Ambry Variant Classification Scheme 2023. Collection method: clinical testing. Allele origin: germline.

Labcorp Genetics (formerly Invitae), Labcorp
Classification: Uncertain significance for Gastrointestinal stromal tumor. Last evaluated: 2022-12-19. Review status: criteria provided, single submitter. Criteria: Invitae Variant Classification Sherloc (09022015). Collection method: clinical testing. Allele origin: germline.
Comment: In summary, the available evidence is currently insufficient to determine the role of this variant in disease. Therefore, it has been classified as a Variant of Uncertain Significance. Algorithms developed to predict the effect of missense changes on protein structure and function output the following: SIFT: "Tolerated"; PolyPhen-2: "Benign"; Align-GVGD: "Class C0". The methionine amino acid residue is found in multiple mammalian species, which suggests that this missense change does not adversely affect protein function. This variant has not been reported in the literature in individuals affected with KIT-related conditions. This variant is not present in population databases (gnomAD no frequency). This sequence change replaces valine, which is neutral and non-polar, with methionine, which is neutral and non-polar, at codon 457 of the KIT protein (p.Val457Met).